The following is an entry in ClinVar:

ClinVar aggregate classification (germline): Uncertain significance (1 of 4 stars; one submission).

Allele frequency attached by ClinVar (database versions not stated): gnomAD exomes below 0.00001; gnomAD 0.00001; TOPMed 0.00001; ExAC 0.00002.
gnomAD v4.1: 7 of 1,609,556 alleles (0.00043%); highest among the groups gnomAD compares: Admixed American, 0.01%; no homozygotes.

Submission:

Labcorp Genetics (formerly Invitae), Labcorp
Classification: Uncertain significance. Last evaluated: 2022-05-05. Review status: criteria provided, single submitter. Criteria: Invitae Variant Classification Sherloc (09022015). Collection method: clinical testing. Allele origin: germline.
Comment: This sequence change replaces tyrosine, which is neutral and polar, with histidine, which is basic and polar, at codon 3218 of the ASPM protein (p.Tyr3218His). This variant is present in population databases (rs745706821, gnomAD 0.01%). This variant has not been reported in the literature in individuals affected with ASPM-related conditions. Algorithms developed to predict the effect of missense changes on protein structure and function are either unavailable or do not agree on the potential impact of this missense change (SIFT: "Tolerated"; PolyPhen-2: "Probably Damaging"; Align-GVGD: "Class C0"). In summary, the available evidence is currently insufficient to determine the role of this variant in disease. Therefore, it has been classified as a Variant of Uncertain Significance.

NM_018136.5(ASPM):c.9652T>C (p.Tyr3218His)

Gene: ASPM (assembly factor for spindle microtubules; minus strand). Cytogenetic location: 1q31.3.
Variant type: single nucleotide variant.
Coding change: c.9652T>C on transcript NM_018136.5 (MANE Select); coding-DNA position 9652, T replaced by C.
Protein change: p.Tyr3218His; replaces tyrosine 3218 with histidine.
Molecular consequence: missense variant.
Genome position (GRCh38, 1-based): chr1:197,090,373, A>G on the plus strand (T>C on the coding strand, the complement: ASPM is on the minus strand). VCF-style: chr1-197090373-A-G. GRCh37 (hg19) VCF-style: chr1-197059503-A-G.
Other names: c.4897T>C, p.Tyr1633His (NM_001206846.2); short protein forms Y3218H, Y1633H.
Identifiers: ClinVar variation 1916601 (VCV001916601.2), dbSNP rs745706821, ClinGen allele CA1308886.